The following is an entry in ClinVar:

ClinVar aggregate classification (germline): Benign. Review status: criteria provided, multiple submitters, no conflicts (2 of 4 stars). 3 submissions from 3 submitters: Benign (3). Last evaluated 2024-01-24.

Allele frequency attached by ClinVar (database versions not stated): TOPMed 0.79645; gnomAD 0.80222 and 0.81135; 1000 Genomes Project 30x 0.80575; 1000 Genomes Project 0.81270; gnomAD exomes 0.90889.
gnomAD v4.1: 1,048,479 of 1,170,850 alleles (90%); highest among the groups gnomAD compares: East Asian, 96%; 474,183 homozygotes.

Submissions (3):

Unidad de Genómica Garrahan, Hospital de Pediatría Garrahan
Classification: Benign. Last evaluated: 2024-01-24. Review status: criteria provided, single submitter. Criteria: ACMG Guidelines, 2015. Collection method: clinical testing. Allele origin: germline. Affected: no. Observed: 89 variant alleles.
Comment: This variant is classified as Benign based on local population frequency. This variant was detected in 94% of patients studied by a panel of primary immunodeficiencies. Number of patients: 89. Only high quality variants are reported.

GeneDx
Classification: Benign. Last evaluated: 2018-07-02. Review status: criteria provided, single submitter. Criteria: GeneDx Variant Classification Process June 2021. Collection method: clinical testing. Allele origin: germline. Affected: yes.

Breakthrough Genomics
Classification: Benign. Review status: criteria provided, single submitter. Criteria: ACMG Guidelines, 2015. Collection method: not provided. Allele origin: germline. Inheritance: Autosomal recessive inheritance. Affected: yes.

NM_001382567.1(STIM1):c.1239-138T>C

Gene: STIM1 (stromal interaction molecule 1; plus strand). Cytogenetic location: 11p15.4.
Variant type: single nucleotide variant.
Coding change: c.1239-138T>C on transcript NM_001382567.1 (MANE Select); 138 bases into the intron before coding-DNA position 1239, T replaced by C.
Molecular consequence: intron variant.
Genome position (GRCh38, 1-based): chr11:4,083,125, T>C. VCF-style: chr11-4083125-T-C. GRCh37 (hg19) VCF-style: chr11-4104355-T-C.
Other names: c.1017-138T>C (NM_001382578.1, NM_001382575.1, NM_001382576.1 and 4 more transcripts); c.750-138T>C (NM_001382580.1, NM_001382581.1); c.1239-117T>C (NM_001382568.1); c.1239-138T>C (NM_001277962.2, NM_003156.4, NM_001277961.3); c.1011-138T>C (NM_001382570.1); c.1104-138T>C (NM_001382569.1); c.759-138T>C (NM_001382571.1).
Identifiers: ClinVar variation 1257347 (VCV001257347.5), dbSNP rs894455, ClinGen allele CA15691278.